The following is an entry in ClinVar:

ClinVar aggregate classification (germline): Uncertain significance. Review status: criteria provided, multiple submitters, no conflicts (2 of 4 stars). 2 submissions from 2 submitters: Uncertain significance (2). Last evaluated 2025-05-17.

Conditions:
Inborn genetic diseases. Identifiers: MedGen C0950123, MeSH D030342.
Mosaic variegated aneuploidy syndrome 2 (MVA2). Identifiers: Orphanet 1052, MedGen C3279843, MONDO:0013582, OMIM 614114.

gnomAD v4.1: 3 of 1,613,538 alleles (0.00019%); highest among the groups gnomAD compares: Non-Finnish European, 0.00025%; no homozygotes.

Submissions (2):

Ambry Genetics
Classification: Uncertain significance for Inborn genetic diseases. Last evaluated: 2025-05-17. Review status: criteria provided, single submitter. Criteria: Ambry Variant Classification Scheme 2023. Collection method: clinical testing. Allele origin: germline.
Comment: The p.A68V variant (also known as c.203C>T) is located in coding exon 3 of the CEP57 gene. The alanine at codon 68 is replaced by valine, an amino acid with similar properties. This change occurs in the first base pair of coding exon 3. This amino acid position is conserved. In addition, this alteration is predicted to be deleterious by in silico analysis. Based on the available evidence, the clinical significance of this variant remains unclear.

Labcorp Genetics (formerly Invitae), Labcorp
Classification: Uncertain significance for Mosaic variegated aneuploidy syndrome 2. Last evaluated: 2024-05-01. Review status: criteria provided, single submitter. Criteria: Invitae Variant Classification Sherloc (09022015). Collection method: clinical testing. Allele origin: germline.
Comment: This sequence change replaces alanine, which is neutral and non-polar, with valine, which is neutral and non-polar, at codon 68 of the CEP57 protein (p.Ala68Val). This variant is present in population databases (rs753867312, gnomAD 0.0009%). This variant has not been reported in the literature in individuals affected with CEP57-related conditions. An algorithm developed to predict the effect of missense changes on protein structure and function (PolyPhen-2) suggests that this variant is likely to be disruptive. In summary, the available evidence is currently insufficient to determine the role of this variant in disease. Therefore, it has been classified as a Variant of Uncertain Significance.

NM_014679.5(CEP57):c.203C>T (p.Ala68Val)

Gene: CEP57 (centrosomal protein 57; plus strand). Cytogenetic location: 11q21.
Variant type: single nucleotide variant.
Coding change: c.203C>T on transcript NM_014679.5 (MANE Select); coding-DNA position 203, C replaced by T.
Protein change: p.Ala68Val; replaces alanine 68 with valine.
Molecular consequence: missense variant.
Genome position (GRCh38, 1-based): chr11:95,812,932, C>T. VCF-style: chr11-95812932-C-T. GRCh37 (hg19) VCF-style: chr11-95546096-C-T.
Other names: c.122C>T, p.Ala41Val (NM_001363604.2); c.176C>T, p.Ala59Val (NM_001243776.2); c.203C>T, p.Ala68Val (NM_001243777.2); c.203C>T (NM_014679.4); short protein forms A41V, A59V, A68V.
Identifiers: ClinVar variation 3671375 (VCV003671375.3).